The following is an entry in ClinVar:

NM_000284.4(PDHA1):c.363C>A (p.His121Gln)

Gene: PDHA1 (pyruvate dehydrogenase E1 subunit alpha 1; plus strand). Cytogenetic location: Xp22.12.
Variant type: single nucleotide variant.
Coding change: c.363C>A on transcript NM_000284.4 (MANE Select); coding-DNA position 363, C replaced by A.
Protein change: p.His121Gln; replaces histidine 121 with glutamine.
Molecular consequence: missense variant.
Genome position (GRCh38, 1-based): chrX:19,351,352, C>A. VCF-style: chrX-19351352-C-A. GRCh37 (hg19) VCF-style: chrX-19369470-C-A.
Other names: c.477C>A, p.His159Gln (NM_001173454.2); c.384C>A, p.His128Gln (NM_001173455.2); c.363C>A, p.His121Gln (NM_001173456.2); short protein forms H121Q, H128Q, H159Q.
Identifiers: ClinVar variation 4070311 (VCV004070311.1).

ClinVar aggregate classification (germline): Pathogenic (0 of 4 stars; one submission).

Conditions:
Pyruvate dehydrogenase E1-alpha deficiency (PDHAD). Also called: ATAXIA, INTERMITTENT, WITH PYRUVATE DEHYDROGENASE DEFICIENCY; ATAXIA WITH LACTIC ACIDOSIS I; ATAXIA, INTERMITTENT, WITH ABNORMAL PYRUVATE METABOLISM; Ataxia, intermittent, with pyruvate dehydrogenase, or decarboxylase, deficiency. Identifiers: Orphanet 79243, MedGen C1839413, MONDO:0010717, OMIM 312170.

Submission:

PDHA1 Study Group, University Children’s Hospital, Paracelsus Medical University
Classification: Pathogenic for Pyruvate dehydrogenase E1-alpha deficiency. Last evaluated: 2024-10-15. Review status: no assertion criteria provided. Collection method: research. Allele origin: de novo. Affected: yes. Observed: 1 variant allele.
Comment: The NM_000284.3:c.363C>A (p.His121Gln) substitution is a missense variant in PDHA1 gene. Among them, 1 case had confirmed de novo occurrence. The variant has been reported in 1 published case (PMIDs: 15384102). Last literature search: July 12, 2024. This variant is absent or extremely rare in population-based cohorts in the Genome Aggregation Database (gnomAD). Individuals harboring this variant presented with clinical features compatible with PDHA1-related PDHc deficiency. In summary, this variant meets criteria to be classified as pathogenic (P) for PDHA1-related PDHc deficiency based on the ACMG/AMP criteria applied: PS2, PM1, PM2, PM7, PP3 (last assessment October 15, 2024).

Literature cited by the submitters: PubMed 15384102; DOI 10.1093/brain/awaf430.